The following is an entry in ClinVar:

ClinVar aggregate classification (germline): Pathogenic. Review status: criteria provided, multiple submitters, no conflicts (2 of 4 stars). 3 submissions from 3 submitters: Pathogenic (2). 1 of the submissions does not count toward it. Last evaluated 2023-07-25.

Conditions:
Neuromuscular disease caused by qualitative or quantitative defects of dysferlin. Also called: Dysferlinopathy; Qualitative or quantitative defects of dysferlin. Identifiers: Orphanet 207073, MedGen C2931687, MONDO:0016145.
Autosomal recessive limb-girdle muscular dystrophy type 2B (LGMDR2). Also called: MUSCULAR DYSTROPHY, LIMB-GIRDLE, AUTOSOMAL RECESSIVE 2; MUSCULAR DYSTROPHY, LIMB-GIRDLE, TYPE 3; Limb-girdle muscular dystrophy, type 2B; Limb-Girdle Muscular Dystrophy Type 2B (LGMD2B). Identifiers: Orphanet 268, MedGen C1850889, MONDO:0009676, OMIM 253601.

Submissions (3):

Labcorp Genetics (formerly Invitae), Labcorp
Classification: Pathogenic for Neuromuscular disease caused by qualitative or quantitative defects of dysferlin. Last evaluated: 2023-07-25. Review status: criteria provided, single submitter. Criteria: Invitae Variant Classification Sherloc (09022015). Collection method: clinical testing. Allele origin: germline.
Comment: This premature translational stop signal has been observed in individuals with clinical features of DYSF-related conditions (PMID: 12796534, 17698709, 18853459). This variant is not present in population databases (gnomAD no frequency). This sequence change creates a premature translational stop signal (p.Tyr586*) in the DYSF gene. It is expected to result in an absent or disrupted protein product. Loss-of-function variants in DYSF are known to be pathogenic (PMID: 17698709, 20301480). ClinVar contains an entry for this variant (Variation ID: 447282). For these reasons, this variant has been classified as Pathogenic.

Athena Diagnostics
Classification: Pathogenic. Last evaluated: 2017-01-17. Review status: criteria provided, single submitter. Criteria: Athena Diagnostics Criteria. Collection method: clinical testing. Allele origin: germline.

Natera, Inc.
Classification: Pathogenic for Limb-girdle muscular dystrophy type 2B. Last evaluated: 2021-06-16. Review status: no assertion criteria provided. Collection method: clinical testing. Allele origin: germline. Not counted in ClinVar's aggregate classification.

Literature cited by the submitters: PubMed 12796534 (cited by Labcorp Genetics (formerly Invitae), Labcorp and Athena Diagnostics); PubMed 17698709 (cited by Labcorp Genetics (formerly Invitae), Labcorp); PubMed 18853459 (cited by Labcorp Genetics (formerly Invitae), Labcorp and Athena Diagnostics); PubMed 20301480 (cited by Labcorp Genetics (formerly Invitae), Labcorp); PubMed 25525159 (cited by Athena Diagnostics).

NM_001130987.2(DYSF):c.1812C>G (p.Tyr604Ter)

Gene: DYSF (dysferlin; plus strand). Cytogenetic location: 2p13.2.
Variant type: single nucleotide variant.
Coding change: c.1812C>G on transcript NM_001130987.2 (MANE Select); coding-DNA position 1812, C replaced by G.
Protein change: p.Tyr604Ter; replaces tyrosine 604 with a stop codon.
Molecular consequence: nonsense.
Genome position (GRCh38, 1-based): chr2:71,553,016, C>G. VCF-style: chr2-71553016-C-G. GRCh37 (hg19) VCF-style: chr2-71780146-C-G.
Other names: c.1761C>G, p.Tyr587Ter (NM_001130455.2, NM_001130983.2); c.1716C>G, p.Tyr572Ter (NM_001130976.2, NM_001130977.2); c.1758C>G, p.Tyr586Ter (NM_001130978.2, NM_003494.4); c.1719C>G, p.Tyr573Ter (NM_001130986.2, NM_001130984.2); c.1851C>G, p.Tyr617Ter (NM_001130979.2); c.1809C>G, p.Tyr603Ter (NM_001130980.2, NM_001130981.2); c.1854C>G, p.Tyr618Ter (NM_001130982.2); c.1812C>G, p.Tyr604Ter (NM_001130985.2); short protein forms Y586*, Y604*, Y587*, Y572*, Y573*, Y603*, Y617*, Y618*.
Identifiers: ClinVar variation 447282 (VCV000447282.13), dbSNP rs1553543506, ClinGen allele CA347218306.
Genomic context (GRCh38, chr2:71,553,016, plus strand): 5'-CTGGGTGCCTTTCTTTGCTCCTCCCGTGACCCTCTGGTCTACTCTCTGCTCTCAGAAGTA[C>G]CTTAGGAGGCGCAAGTACTCCCTGTTTGCGGCCTTCTACTCAGCCACCATGCTGCAGGAT-3'